The following is an entry in ClinVar:

ClinVar aggregate classification (germline): Uncertain significance (1 of 4 stars; one submission).

Allele frequency attached by ClinVar (database versions not stated): gnomAD 0.00001; gnomAD exomes 0.00001; TOPMed 0.00001.
gnomAD v4.1: 7 of 1,612,448 alleles (0.00043%); highest among the groups gnomAD compares: African/African-American, 0.0013%; no homozygotes.

Submission:

Labcorp Genetics (formerly Invitae), Labcorp
Classification: Uncertain significance. Last evaluated: 2022-07-05. Review status: criteria provided, single submitter. Criteria: Invitae Variant Classification Sherloc (09022015). Collection method: clinical testing. Allele origin: germline.
Comment: In summary, the available evidence is currently insufficient to determine the role of this variant in disease. Therefore, it has been classified as a Variant of Uncertain Significance. Experimental studies and prediction algorithms are not available or were not evaluated, and the functional significance of this variant is currently unknown. ClinVar contains an entry for this variant (Variation ID: 1507319). This variant has not been reported in the literature in individuals affected with HTT-related conditions. This variant is not present in population databases (gnomAD no frequency). This sequence change replaces arginine, which is basic and polar, with glutamine, which is neutral and polar, at codon 1185 of the HTT protein (p.Arg1185Gln).

NM_001388492.1(HTT):c.3548G>A (p.Arg1183Gln)

Gene: HTT (huntingtin; plus strand). Cytogenetic location: 4p16.3.
Variant type: single nucleotide variant.
Coding change: c.3548G>A on transcript NM_001388492.1 (MANE Select); coding-DNA position 3548, G replaced by A.
Protein change: p.Arg1183Gln; replaces arginine 1183 with glutamine.
Molecular consequence: missense variant.
Genome position (GRCh38, 1-based): chr4:3,154,342, G>A. VCF-style: chr4-3154342-G-A. GRCh37 (hg19) VCF-style: chr4-3156069-G-A.
Other names: c.3554G>A, p.Arg1185Gln (NM_002111.8); short protein forms R1183Q, R1185Q.
Identifiers: ClinVar variation 1507319 (VCV001507319.6), dbSNP rs1160844797, ClinGen allele CA356100389.